The following is an entry in ClinVar:

NM_001032386.2(SUOX):c.1333A>G (p.Ile445Val)

Gene: SUOX (sulfite oxidase; plus strand). Cytogenetic location: 12q13.2.
Variant type: single nucleotide variant.
Coding change: c.1333A>G on transcript NM_001032386.2 (MANE Select); coding-DNA position 1333, A replaced by G.
Protein change: p.Ile445Val; replaces isoleucine 445 with valine.
Molecular consequence: missense variant.
Genome position (GRCh38, 1-based): chr12:56,004,722, A>G. VCF-style: chr12-56004722-A-G. GRCh37 (hg19) VCF-style: chr12-56398506-A-G.
Other names: c.1333A>G, p.Ile445Val (NM_000456.3, NM_001032387.2); short protein forms I445V.
Identifiers: ClinVar variation 651218 (VCV000651218.10), dbSNP rs999936687, ClinGen allele CA237605329.

ClinVar aggregate classification (germline): Uncertain significance (1 of 4 stars; one submission).

Conditions:
Sulfite oxidase deficiency. Also called: Isolated sulfite oxidase deficiency. Identifiers: Orphanet 833, Orphanet 99731, MedGen C0268624, MONDO:0010089, OMIM 272300, HP:0003643.

Allele frequency attached by ClinVar (database versions not stated): gnomAD 0.00001; gnomAD exomes 0.00001; TOPMed 0.00001.
gnomAD v4.1: 15 of 1,614,052 alleles (0.00093%); highest among the groups gnomAD compares: Admixed American, 0.0033%; no homozygotes.

Submission:

Labcorp Genetics (formerly Invitae), Labcorp
Classification: Uncertain significance for Sulfite oxidase deficiency. Last evaluated: 2024-10-22. Review status: criteria provided, single submitter. Criteria: Invitae Variant Classification Sherloc (09022015). Collection method: clinical testing. Allele origin: germline.
Comment: This sequence change replaces isoleucine, which is neutral and non-polar, with valine, which is neutral and non-polar, at codon 445 of the SUOX protein (p.Ile445Val). This variant is present in population databases (no rsID available, gnomAD 0.003%). This variant has not been reported in the literature in individuals affected with SUOX-related conditions. ClinVar contains an entry for this variant (Variation ID: 651218). Invitae Evidence Modeling of protein sequence and biophysical properties (such as structural, functional, and spatial information, amino acid conservation, physicochemical variation, residue mobility, and thermodynamic stability) indicates that this missense variant is not expected to disrupt SUOX protein function with a negative predictive value of 95%. In summary, the available evidence is currently insufficient to determine the role of this variant in disease. Therefore, it has been classified as a Variant of Uncertain Significance.